The following is an entry in ClinVar:

NM_006440.5(TXNRD2):c.193G>A (p.Val65Met)

Gene: TXNRD2 (thioredoxin reductase 2; minus strand). Cytogenetic location: 22q11.21.
Variant type: single nucleotide variant.
Coding change: c.193G>A on transcript NM_006440.5 (MANE Select); coding-DNA position 193, G replaced by A.
Protein change: p.Val65Met; replaces valine 65 with methionine.
Molecular consequence: missense variant. On other transcripts: 5 prime UTR variant (1).
Genome position (GRCh38, 1-based): chr22:19,919,579, C>T on the plus strand (G>A on the coding strand, the complement: TXNRD2 is on the minus strand). VCF-style: chr22-19919579-C-T. GRCh37 (hg19) VCF-style: chr22-19907102-C-T.
Other names: c.193G>A, p.Val65Met (NM_001282512.3); c.190G>A, p.Val64Met (NM_001352300.2); c.103G>A, p.Val35Met (NM_001352301.2); c.-96G>A (NM_001352302.2); c.97G>A, p.Val33Met (NM_001352303.2); short protein forms V33M, V35M, V64M, V65M.
Identifiers: ClinVar variation 2629682 (VCV002629682.2), dbSNP rs367672758, ClinGen allele CA10104305.

ClinVar aggregate classification (germline): Uncertain significance. Review status: criteria provided, multiple submitters, no conflicts (2 of 4 stars). 2 submissions from 2 submitters: Uncertain significance (2). Last evaluated 2023-06-12.

Conditions:
TXNRD2-related disorder. Also called: TXNRD2-related condition.

Allele frequency attached by ClinVar (database versions not stated): TOPMed below 0.00001; gnomAD 0.00001; ESP Exome Variant Server 0.00008.

Submissions (2):

GeneDx
Classification: Uncertain significance. Last evaluated: 2023-06-12. Review status: criteria provided, single submitter. Criteria: GeneDx Variant Classification Process June 2021. Collection method: clinical testing. Allele origin: germline. Affected: yes.
Comment: Has not been previously published as pathogenic or benign to our knowledge; In silico analysis supports that this missense variant has a deleterious effect on protein structure/function

PreventionGenetics, part of Exact Sciences
Classification: Uncertain significance for TXNRD2-related condition. Last evaluated: 2022-12-10. Review status: criteria provided, single submitter. Criteria: ACMG Guidelines, 2015. Collection method: clinical testing. Allele origin: germline.
Comment: The TXNRD2 c.193G>A variant is predicted to result in the amino acid substitution p.Val65Met. To our knowledge, this variant has not been reported in the literature. This variant is reported in 0.0011% of alleles in individuals of European (Non-Finnish) descent in gnomAD. At this time, the clinical significance of this variant is uncertain due to the absence of conclusive functional and genetic evidence.